The following is an entry in ClinVar:

ClinVar aggregate classification (germline): Uncertain significance (1 of 4 stars; one submission).

Allele frequency attached by ClinVar (database versions not stated): TOPMed below 0.00001.

Submission:

GeneDx
Classification: Uncertain significance. Last evaluated: 2021-08-06. Review status: criteria provided, single submitter. Criteria: GeneDx Variant Classification Process June 2021. Collection method: clinical testing. Allele origin: germline. Affected: yes.
Comment: Has not been previously published as pathogenic or benign to our knowledge Not observed in large population cohorts (Lek 2016) In silico analysis, which includes protein predictors and evolutionary conservation, supports that this variant does not alter protein structure/function

NM_001113378.2(FANCI):c.419A>G (p.Lys140Arg)

Gene: FANCI (FA complementation group I; plus strand). Cytogenetic location: 15q26.1.
Variant type: single nucleotide variant.
Coding change: c.419A>G on transcript NM_001113378.2 (MANE Select); coding-DNA position 419, A replaced by G.
Protein change: p.Lys140Arg; replaces lysine 140 with arginine.
Molecular consequence: missense variant.
Genome position (GRCh38, 1-based): chr15:89,261,715, A>G. VCF-style: chr15-89261715-A-G. GRCh37 (hg19) VCF-style: chr15-89804946-A-G.
Other names: c.140A>G, p.Lys47Arg (NM_001376910.1); c.419A>G, p.Lys140Arg (NM_001376911.1, NM_018193.3); short protein forms K140R, K47R.
Identifiers: ClinVar variation 1194434 (VCV001194434.2), dbSNP rs2052718416, ClinGen allele CA393738425.
Genomic context (GRCh38, chr15:89,261,715, plus strand): 5'-GCCTAGTGAATGGAAAATCTTTGGAGTTACTACCTATCATTCTCACTGCCCTGGCTACGA[A>G]AAAGGAAAATCTGGCTTATGGAAAAGGTAATTTTCTTCCGACTTTAGTGGCTTTTTCTCT-3'
Protein context (NP_001106849.1, residues 130-150): LPIILTALAT[Lys140Arg]KENLAYGKGV